The following is an entry in ClinVar:

ClinVar aggregate classification (germline): Uncertain significance (1 of 4 stars; one submission).

Conditions:
Inborn genetic diseases. Identifiers: MedGen C0950123, MeSH D030342.

gnomAD v4.1: 1 of 1,614,014 alleles (0.000062%); highest among the groups gnomAD compares: East Asian, 0.0022%; no homozygotes.

Submission:

Ambry Genetics
Classification: Uncertain significance for Inborn genetic diseases. Last evaluated: 2024-05-18. Review status: criteria provided, single submitter. Criteria: Ambry Variant Classification Scheme 2023. Collection method: clinical testing. Allele origin: germline.
Comment: The p.G184E variant (also known as c.551G>A), located in coding exon 7 of the ERCC2 gene, results from a G to A substitution at nucleotide position 551. The glycine at codon 184 is replaced by glutamic acid, an amino acid with similar properties. This amino acid position is conserved. In addition, this alteration is predicted to be deleterious by in silico analysis. Based on the available evidence, the clinical significance of this variant remains unclear.

NM_000400.4(ERCC2):c.551G>A (p.Gly184Glu)

Gene: ERCC2 (ERCC excision repair 2, TFIIH core complex helicase subunit; minus strand). Cytogenetic location: 19q13.32.
Variant type: single nucleotide variant.
Coding change: c.551G>A on transcript NM_000400.4 (MANE Select); coding-DNA position 551, G replaced by A.
Protein change: p.Gly184Glu; replaces glycine 184 with glutamic acid.
Molecular consequence: missense variant.
Genome position (GRCh38, 1-based): chr19:45,364,881, C>T on the plus strand (G>A on the coding strand, the complement: ERCC2 is on the minus strand). VCF-style: chr19-45364881-C-T. GRCh37 (hg19) VCF-style: chr19-45868139-C-T.
Other names: c.479G>A, p.Gly160Glu (NM_001130867.2); short protein forms G160E, G184E.
Identifiers: ClinVar variation 3276276 (VCV003276276.1).